The following is an entry in ClinVar:

NM_003235.5(TG):c.2223G>A (p.Thr741=)

Gene: TG (thyroglobulin; plus strand). Cytogenetic location: 8q24.22.
Variant type: single nucleotide variant.
Coding change: c.2223G>A on transcript NM_003235.5 (MANE Select); coding-DNA position 2223, G replaced by A.
Protein change: p.Thr741=; no amino-acid change (threonine 741 retained).
Molecular consequence: synonymous variant.
Genome position (GRCh38, 1-based): chr8:132,888,030, G>A. VCF-style: chr8-132888030-G-A. GRCh37 (hg19) VCF-style: chr8-133900275-G-A.
Identifiers: ClinVar variation 2658829 (VCV002658829.27), dbSNP rs779145179, ClinGen allele CA4883355.

ClinVar aggregate classification (germline): Likely benign. Review status: criteria provided, multiple submitters, no conflicts (2 of 4 stars). 2 submissions from 2 submitters: Likely benign (2). Last evaluated 2023-11-05.

Allele frequency attached by ClinVar (database versions not stated): ExAC 0.00001; TOPMed 0.00001.
gnomAD v4.1: 28 of 1,613,976 alleles (0.0017%); highest among the groups gnomAD compares: Non-Finnish European, 0.0023%; no homozygotes.

Submissions (2):

Labcorp Genetics (formerly Invitae), Labcorp
Classification: Likely benign. Last evaluated: 2023-11-05. Review status: criteria provided, single submitter. Criteria: Invitae Variant Classification Sherloc (09022015). Collection method: clinical testing. Allele origin: germline.

CeGaT Center for Human Genetics Tuebingen
Classification: Likely benign. Last evaluated: 2023-02-01. Review status: criteria provided, single submitter. Criteria: CeGaT Center For Human Genetics Tuebingen Variant Classification Criteria Version 2. Collection method: clinical testing. Allele origin: germline. Affected: yes. Observed: 1 variant allele.
Comment: TG: BP4, BP7